The following is an entry in ClinVar:

ClinVar aggregate classification (germline): Uncertain significance (1 of 4 stars; one submission).

Conditions:
Early-infantile DEE. Also called: Early infantile epileptic encephalopathy with suppression bursts; Early infantile epileptic encephalopathy; Ohtahara syndrome. Identifiers: Orphanet 1934, MedGen C0393706, MONDO:0800491.

Submission:

Labcorp Genetics (formerly Invitae), Labcorp
Classification: Uncertain significance for Early-infantile DEE. Last evaluated: 2022-07-19. Review status: criteria provided, single submitter. Criteria: Invitae Variant Classification Sherloc (09022015). Collection method: clinical testing. Allele origin: germline.
Comment: This sequence change replaces arginine, which is basic and polar, with leucine, which is neutral and non-polar, at codon 1892 of the SCN8A protein (p.Arg1892Leu). This variant is not present in population databases (gnomAD no frequency). This missense change has been observed in individual(s) with clinical features of SCN8A-related conditions (Invitae). ClinVar contains an entry for this variant (Variation ID: 1380899). Algorithms developed to predict the effect of missense changes on protein structure and function are either unavailable or do not agree on the potential impact of this missense change (SIFT: "Deleterious"; PolyPhen-2: "Probably Damaging"; Align-GVGD: "Class C0"). In summary, the available evidence is currently insufficient to determine the role of this variant in disease. Therefore, it has been classified as a Variant of Uncertain Significance.

NM_001330260.2(SCN8A):c.5675G>T (p.Arg1892Leu)

Gene: SCN8A (sodium voltage-gated channel alpha subunit 8; plus strand). Cytogenetic location: 12q13.13.
Variant type: single nucleotide variant.
Coding change: c.5675G>T on transcript NM_001330260.2 (MANE Select); coding-DNA position 5675, G replaced by T.
Protein change: p.Arg1892Leu; replaces arginine 1892 with leucine.
Molecular consequence: missense variant.
Genome position (GRCh38, 1-based): chr12:51,807,161, G>T. VCF-style: chr12-51807161-G-T. GRCh37 (hg19) VCF-style: chr12-52200945-G-T.
Other names: c.5552G>T, p.Arg1851Leu (NM_001177984.3, NM_001369788.1); c.5675G>T, p.Arg1892Leu (NM_014191.4); short protein forms R1851L, R1892L.
Identifiers: ClinVar variation 1380899 (VCV001380899.9), dbSNP rs1565934531, ClinGen allele CA384888455.